The following is an entry in ClinVar:

ClinVar aggregate classification (germline): Uncertain significance (1 of 4 stars; one submission).

Conditions:
Succinate-semialdehyde dehydrogenase deficiency (SSADHD). Also called: SSADH DEFICIENCY; 4-HYDROXYBUTYRIC ACIDURIA; GABA METABOLIC DEFECT; Succinic Semialdehyde Dehydrogenase Deficiency. Identifiers: Orphanet 22, MedGen C0268631, MONDO:0010083, OMIM 271980.

gnomAD v4.1: 2 of 1,316,782 alleles (0.00015%); highest among the groups gnomAD compares: Non-Finnish European, 0.000096%; no homozygotes.

Submission:

Labcorp Genetics (formerly Invitae), Labcorp
Classification: Uncertain significance for Succinate-semialdehyde dehydrogenase deficiency. Last evaluated: 2024-01-08. Review status: criteria provided, single submitter. Criteria: Invitae Variant Classification Sherloc (09022015). Collection method: clinical testing. Allele origin: germline.
Comment: This sequence change replaces proline, which is neutral and non-polar, with serine, which is neutral and polar, at codon 37 of the ALDH5A1 protein (p.Pro37Ser). This variant is not present in population databases (gnomAD no frequency). This variant has not been reported in the literature in individuals affected with ALDH5A1-related conditions. Advanced modeling of protein sequence and biophysical properties (such as structural, functional, and spatial information, amino acid conservation, physicochemical variation, residue mobility, and thermodynamic stability) performed at Invitae indicates that this missense variant is not expected to disrupt ALDH5A1 protein function with a negative predictive value of 95%. In summary, the available evidence is currently insufficient to determine the role of this variant in disease. Therefore, it has been classified as a Variant of Uncertain Significance.

NM_001080.3(ALDH5A1):c.109C>T (p.Pro37Ser)

Genes: ALDH5A1 (aldehyde dehydrogenase 5 family member A1; plus strand), GPLD1 (glycosylphosphatidylinositol specific phospholipase D1; minus strand), LOC129995978 (ATAC-STARR-seq lymphoblastoid silent region 16989; plus strand). Cytogenetic location: 6p22.3.
Variant type: single nucleotide variant.
Coding change: c.109C>T on transcript NM_001080.3 (MANE Select); coding-DNA position 109, C replaced by T.
Protein change: p.Pro37Ser; replaces proline 37 with serine.
Molecular consequence: missense variant.
Genome position (GRCh38, 1-based): chr6:24,495,105, C>T. VCF-style: chr6-24495105-C-T. GRCh37 (hg19) VCF-style: chr6-24495333-C-T.
Other names: c.109C>T, p.Pro37Ser (NM_001368954.1, NM_170740.1); short protein forms P37S.
Identifiers: ClinVar variation 2786222 (VCV002786222.3), dbSNP rs1764663348, ClinGen allele CA362968243.
Genomic context (GRCh38, chr6:24,495,105, plus strand): 5'-TCGACGTTTCCAGGCTGCCGCCTCCGCCCCCGCGCCGGCGGCCTGGTCCCTGCCTCCGGG[C>T]CTGCGCCCGGCCCGGCCCAGCTCCGCTGCTACGCTGGGCGCCTGGCGGGCCTCTCTGCGG-3'
Protein context (NP_001071.1, residues 27-47): RAGGLVPASG[Pro37Ser]APGPAQLRCY